The following is an entry in ClinVar:

NM_006206.6(PDGFRA):c.2003-16G>A

Gene: PDGFRA (platelet derived growth factor receptor alpha; plus strand). Cytogenetic location: 4q12.
Variant type: single nucleotide variant.
Coding change: c.2003-16G>A on transcript NM_006206.6 (MANE Select); 16 bases into the intron before coding-DNA position 2003, G replaced by A.
Molecular consequence: intron variant.
Genome position (GRCh38, 1-based): chr4:54,278,346, G>A. VCF-style: chr4-54278346-G-A. GRCh37 (hg19) VCF-style: chr4-55144513-G-A.
Other names: c.2078-16G>A (NM_001347828.2); c.2003-16G>A (NM_001347827.2, NM_001347829.2); c.2042-16G>A (NM_001347830.2).
Identifiers: ClinVar variation 1583075 (VCV001583075.9), dbSNP rs1315612472, ClinGen allele CA551369783.

ClinVar aggregate classification (germline): Benign/Likely benign. Review status: criteria provided, multiple submitters, no conflicts (2 of 4 stars). 2 submissions from 2 submitters: Benign (1); Likely benign (1). Last evaluated 2026-06-17.

Conditions:
Gastrointestinal stromal tumor. Also called: Gastrointestinal stromal tumor, somatic; Gastrointestinal stroma tumor. Identifiers: Orphanet 44890, MedGen C0238198, MeSH D046152, MONDO:0011719, OMIM 606764, HP:0100723.
Polyps, multiple and recurrent inflammatory fibroid, gastrointestinal. Identifiers: MedGen C5193005, MONDO:0008285, OMIM 175510.

Allele frequency attached by ClinVar (database versions not stated): gnomAD exomes 0.00001 and 0.00002; TOPMed 0.00001.
gnomAD v4.1: 13 of 1,609,642 alleles (0.00081%); highest among the groups gnomAD compares: African/African-American, 0.0013%; no homozygotes.

Submissions (2):

Myriad Genetics, Inc.
Classification: Benign for Polyps, multiple and recurrent inflammatory fibroid, gastrointestinal. Last evaluated: 2026-06-17. Review status: criteria provided, single submitter. Criteria: Myriad Autosomal Dominant, Autosomal Recessive and X-Linked Classification Criteria (2023). Collection method: clinical testing. Allele origin: unknown.
Comment: This variant is considered benign. This variant is intronic and is not expected to impact mRNA splicing. This variant has been observed at a population frequency that is significantly greater than expected given the associated disease prevalence and penetrance.

Labcorp Genetics (formerly Invitae), Labcorp
Classification: Likely benign for Gastrointestinal stromal tumor. Last evaluated: 2025-09-04. Review status: criteria provided, single submitter. Criteria: Invitae Variant Classification Sherloc (09022015). Collection method: clinical testing. Allele origin: germline.